The following is an entry in ClinVar:

ClinVar aggregate classification (germline): Uncertain significance (1 of 4 stars; one submission).

gnomAD v4.1: 17 of 1,612,808 alleles (0.0011%); highest among the groups gnomAD compares: Admixed American, 0.013%; no homozygotes.

Submission:

Labcorp Genetics (formerly Invitae), Labcorp
Classification: Uncertain significance. Last evaluated: 2025-02-20. Review status: criteria provided, single submitter. Criteria: Invitae Variant Classification Sherloc (09022015). Collection method: clinical testing. Allele origin: germline.
Comment: This sequence change replaces tryptophan, which is neutral and slightly polar, with arginine, which is basic and polar, at codon 300 of the NDUFA9 protein (p.Trp300Arg). This variant is present in population databases (no rsID available, gnomAD 0.003%). This variant has not been reported in the literature in individuals affected with NDUFA9-related conditions. An algorithm developed to predict the effect of missense changes on protein structure and function (PolyPhen-2) suggests that this variant is likely to be tolerated. Algorithms developed to predict the effect of sequence changes on RNA splicing suggest that this variant may disrupt the consensus splice site. In summary, the available evidence is currently insufficient to determine the role of this variant in disease. Therefore, it has been classified as a Variant of Uncertain Significance.

NM_005002.5(NDUFA9):c.898T>A (p.Trp300Arg)

Gene: NDUFA9 (NADH:ubiquinone oxidoreductase subunit A9; plus strand). Cytogenetic location: 12p13.32.
Variant type: single nucleotide variant.
Coding change: c.898T>A on transcript NM_005002.5 (MANE Select); coding-DNA position 898, T replaced by A.
Protein change: p.Trp300Arg; replaces tryptophan 300 with arginine.
Molecular consequence: missense variant.
Genome position (GRCh38, 1-based): chr12:4,685,260, T>A. VCF-style: chr12-4685260-T-A. GRCh37 (hg19) VCF-style: chr12-4794426-T-A.
Other names: short protein forms W300R.
Identifiers: ClinVar variation 4690792 (VCV004690792.1).